The following is an entry in ClinVar:

ClinVar aggregate classification (germline): Likely benign (0 of 4 stars; one submission).

Conditions:
GEMIN4-related disorder. Also called: GEMIN4-related condition.

Allele frequency attached by ClinVar (database versions not stated): ExAC 0.00030; TOPMed 0.00092; gnomAD 0.00100; 1000 Genomes Project 30x 0.00109; ESP Exome Variant Server 0.00114; 1000 Genomes Project 0.00140.
gnomAD v4.1: 248 of 1,612,094 alleles (0.015%); highest among the groups gnomAD compares: African/African-American, 0.31%; 2 homozygotes.

Submission:

PreventionGenetics, part of Exact Sciences
Classification: Likely benign for GEMIN4-related condition. Last evaluated: 2019-04-11. Review status: no assertion criteria provided. Collection method: clinical testing. Allele origin: germline.
Comment: This variant is classified as likely benign based on ACMG/AMP sequence variant interpretation guidelines (Richards et al. 2015 PMID: 25741868, with internal and published modifications).

NM_015721.3(GEMIN4):c.54C>T (p.Gly18=)

Gene: GEMIN4 (gem nuclear organelle associated protein 4; minus strand). Cytogenetic location: 17p13.3.
Variant type: single nucleotide variant.
Coding change: c.54C>T on transcript NM_015721.3 (MANE Select); coding-DNA position 54, C replaced by T.
Protein change: p.Gly18=; no amino-acid change (glycine 18 retained).
Molecular consequence: synonymous variant.
Genome position (GRCh38, 1-based): chr17:747,989, G>A on the plus strand (C>T on the coding strand, the complement: GEMIN4 is on the minus strand). VCF-style: chr17-747989-G-A. GRCh37 (hg19) VCF-style: chr17-651229-G-A.
Identifiers: ClinVar variation 3050865 (VCV003050865.2), dbSNP rs190447919, ClinGen allele CA8262968.